The following is an entry in ClinVar:

NM_138387.4(G6PC3):c.157G>C (p.Val53Leu)

Genes: G6PC3 (glucose-6-phosphatase catalytic subunit 3; plus strand), LOC130060959 (ATAC-STARR-seq lymphoblastoid active region 12250; plus strand). Cytogenetic location: 17q21.31.
Variant type: single nucleotide variant.
Coding change: c.157G>C on transcript NM_138387.4 (MANE Select); coding-DNA position 157, G replaced by C.
Protein change: p.Val53Leu; replaces valine 53 with leucine.
Molecular consequence: missense variant. On other transcripts: 5 prime UTR variant (3), intron variant (1).
Genome position (GRCh38, 1-based): chr17:44,071,122, G>C. VCF-style: chr17-44071122-G-C. GRCh37 (hg19) VCF-style: chr17-42148490-G-C.
Other names: c.157G>C, p.Val53Leu (NM_001319945.2); c.-248G>C (NM_001384165.1); c.-383G>C (NM_001384166.1); c.-373G>C (NM_001384167.1); c.-312+408G>C (NM_001384168.1); short protein forms V53L.
Identifiers: ClinVar variation 4620481 (VCV004620481.1).

ClinVar aggregate classification (germline): Uncertain significance (1 of 4 stars; one submission).

Conditions:
Inborn genetic diseases. Identifiers: MedGen C0950123, MeSH D030342.

Submission:

Ambry Genetics
Classification: Uncertain significance for Inborn genetic diseases. Last evaluated: 2025-09-18. Review status: criteria provided, single submitter. Criteria: Ambry Variant Classification Scheme 2023. Collection method: clinical testing. Allele origin: germline.
Comment: The p.V53L variant (also known as c.157G>C), located in coding exon 1 of the G6PC3 gene, results from a G to C substitution at nucleotide position 157. The valine at codon 53 is replaced by leucine, an amino acid with highly similar properties. This amino acid position is conserved. In addition, this alteration is predicted to be tolerated by in silico analysis. Based on the available evidence, the clinical significance of this variant remains unclear.